The following is an entry in ClinVar:

NM_182493.3(MYLK3):c.860G>C (p.Gly287Ala)

Gene: MYLK3 (myosin light chain kinase 3; minus strand). Cytogenetic location: 16q11.2.
Variant type: single nucleotide variant.
Coding change: c.860G>C on transcript NM_182493.3 (MANE Select); coding-DNA position 860, G replaced by C.
Protein change: p.Gly287Ala; replaces glycine 287 with alanine.
Molecular consequence: missense variant. On other transcripts: intron variant (1).
Genome position (GRCh38, 1-based): chr16:46,737,852, C>G on the plus strand (G>C on the coding strand, the complement: MYLK3 is on the minus strand). VCF-style: chr16-46737852-C-G. GRCh37 (hg19) VCF-style: chr16-46771764-C-G.
Other names: c.-23+2205G>C (NM_001308301.1); short protein forms G287A.
Identifiers: ClinVar variation 4701989 (VCV004701989.1).
Genomic context (GRCh38, chr16:46,737,852, plus strand): 5'-CCTGGAGTCAGCCTCGTGCCTTCCTCTAAGGGCTCAGGGTCAGGCCTGCTGGACGATGCT[C>G]CTTGTCCTGCACCTGGTGCAACCTCCAGGCTCGGGGAGACCACATTGACCCTGCCGGGTG-3'
Protein context (NP_872299.2, residues 277-297): SLEVAPGAGQ[Gly287Ala]ASSSRPDPEP

ClinVar aggregate classification (germline): Uncertain significance (1 of 4 stars; one submission).

Submission:

Labcorp Genetics (formerly Invitae), Labcorp
Classification: Uncertain significance. Last evaluated: 2025-11-12. Review status: criteria provided, single submitter. Criteria: Invitae Variant Classification Sherloc (09022015). Collection method: clinical testing. Allele origin: germline.
Comment: This sequence change replaces glycine, which is neutral and non-polar, with alanine, which is neutral and non-polar, at codon 287 of the MYLK3 protein (p.Gly287Ala). This variant is not present in population databases (gnomAD no frequency). This variant has not been reported in the literature in individuals affected with MYLK3-related conditions. An algorithm developed to predict the effect of missense changes on protein structure and function (PolyPhen-2) suggests that this variant is likely to be tolerated. In summary, the available evidence is currently insufficient to determine the role of this variant in disease. Therefore, it has been classified as a Variant of Uncertain Significance.